The following is an entry in ClinVar:

ClinVar aggregate classification (germline): Uncertain significance (1 of 4 stars; one submission).

Submission:

Labcorp Genetics (formerly Invitae), Labcorp
Classification: Uncertain significance. Last evaluated: 2023-12-02. Review status: criteria provided, single submitter. Criteria: Invitae Variant Classification Sherloc (09022015). Collection method: clinical testing. Allele origin: germline.
Comment: This sequence change replaces valine, which is neutral and non-polar, with alanine, which is neutral and non-polar, at codon 1149 of the DUOX2 protein (p.Val1149Ala). This variant is not present in population databases (gnomAD no frequency). This variant has not been reported in the literature in individuals affected with DUOX2-related conditions. Advanced modeling of protein sequence and biophysical properties (such as structural, functional, and spatial information, amino acid conservation, physicochemical variation, residue mobility, and thermodynamic stability) performed at Invitae indicates that this missense variant is expected to disrupt DUOX2 protein function with a positive predictive value of 80%. In summary, the available evidence is currently insufficient to determine the role of this variant in disease. Therefore, it has been classified as a Variant of Uncertain Significance.

NM_001363711.2(DUOX2):c.3446T>C (p.Val1149Ala)

Gene: DUOX2 (dual oxidase 2; minus strand). Cytogenetic location: 15q21.1.
Variant type: single nucleotide variant.
Coding change: c.3446T>C on transcript NM_001363711.2 (MANE Select); coding-DNA position 3446, T replaced by C.
Protein change: p.Val1149Ala; replaces valine 1149 with alanine.
Molecular consequence: missense variant.
Genome position (GRCh38, 1-based): chr15:45,099,452, A>G on the plus strand (T>C on the coding strand, the complement: DUOX2 is on the minus strand). VCF-style: chr15-45099452-A-G. GRCh37 (hg19) VCF-style: chr15-45391650-A-G.
Other names: c.3446T>C, p.Val1149Ala (NM_014080.5); short protein forms V1149A.
Identifiers: ClinVar variation 2700391 (VCV002700391.3), dbSNP rs2504748918, ClinGen allele CA392259288.